The following is an entry in ClinVar:

ClinVar aggregate classification (germline): Benign (0 of 4 stars; one submission).

Conditions:
DNAH2-related disorder. Also called: DNAH2-related condition.

Allele frequency attached by ClinVar (database versions not stated): gnomAD exomes 0.00225; ExAC 0.00677; 1000 Genomes Project 0.02037; gnomAD 0.02038; ESP Exome Variant Server 0.02114; 1000 Genomes Project 30x 0.02155; TOPMed 0.02418.
gnomAD v4.1: 6,534 of 1,614,192 alleles (0.4%); highest among the groups gnomAD compares: African/African-American, 6.9%; 209 homozygotes.

Submission:

PreventionGenetics, part of Exact Sciences
Classification: Benign for DNAH2-related condition. Last evaluated: 2019-02-22. Review status: no assertion criteria provided. Collection method: clinical testing. Allele origin: germline.
Comment: This variant is classified as benign based on ACMG/AMP sequence variant interpretation guidelines (Richards et al. 2015 PMID: 25741868, with internal and published modifications).

NM_020877.5(DNAH2):c.10952G>A (p.Arg3651His)

Gene: DNAH2 (dynein axonemal heavy chain 2; plus strand). Cytogenetic location: 17p13.1.
Variant type: single nucleotide variant.
Coding change: c.10952G>A on transcript NM_020877.5 (MANE Select); coding-DNA position 10952, G replaced by A.
Protein change: p.Arg3651His; replaces arginine 3651 with histidine.
Molecular consequence: missense variant.
Genome position (GRCh38, 1-based): chr17:7,819,345, G>A. VCF-style: chr17-7819345-G-A. GRCh37 (hg19) VCF-style: chr17-7722663-G-A.
Other names: short protein forms R3651H.
Identifiers: ClinVar variation 3041921 (VCV003041921.2), dbSNP rs57926692, ClinGen allele CA8359308.